The following is an entry in ClinVar:

ClinVar aggregate classification (germline): Uncertain significance (1 of 4 stars; one submission).

Conditions:
Cardiovascular phenotype. Identifiers: MedGen CN230736.

Submission:

Ambry Genetics
Classification: Uncertain significance for Cardiovascular phenotype. Last evaluated: 2022-11-10. Review status: criteria provided, single submitter. Criteria: Ambry Variant Classification Scheme 2023. Collection method: clinical testing. Allele origin: germline.
Comment: The p.N454K variant (also known as c.1362T>G), located in coding exon 10 of the SCN10A gene, results from a T to G substitution at nucleotide position 1362. The asparagine at codon 454 is replaced by lysine, an amino acid with similar properties. This amino acid position is conserved. In addition, this alteration is predicted to be tolerated by in silico analysis. Since supporting evidence is limited at this time, the clinical significance of this alteration remains unclear.

NM_006514.4(SCN10A):c.1362T>G (p.Asn454Lys)

Gene: SCN10A (sodium voltage-gated channel alpha subunit 10; minus strand). Cytogenetic location: 3p22.2.
Variant type: single nucleotide variant.
Coding change: c.1362T>G on transcript NM_006514.4 (MANE Select); coding-DNA position 1362, T replaced by G.
Protein change: p.Asn454Lys; replaces asparagine 454 with lysine.
Molecular consequence: missense variant.
Genome position (GRCh38, 1-based): chr3:38,755,887, A>C on the plus strand (T>G on the coding strand, the complement: SCN10A is on the minus strand). VCF-style: chr3-38755887-A-C. GRCh37 (hg19) VCF-style: chr3-38797378-A-C.
Other names: c.1362T>G, p.Asn454Lys (NM_001293306.2, NM_001293307.2); short protein forms N454K.
Identifiers: ClinVar variation 2448831 (VCV002448831.2), dbSNP rs2470786985, ClinGen allele CA352168967.